The following is an entry in ClinVar:

ClinVar aggregate classification (germline): Uncertain significance. Review status: criteria provided, multiple submitters, no conflicts (2 of 4 stars). 2 submissions from 2 submitters: Uncertain significance (2). Last evaluated 2025-05-06.

Conditions:
Inborn genetic diseases. Identifiers: MedGen C0950123, MeSH D030342.

Allele frequency attached by ClinVar (database versions not stated): gnomAD exomes 0.00001; ExAC 0.00002; TOPMed 0.00002; gnomAD 0.00004.
gnomAD v4.1: 22 of 1,607,146 alleles (0.0014%); highest among the groups gnomAD compares: African/African-American, 0.0055%; no homozygotes.

Submissions (2):

Ambry Genetics
Classification: Uncertain significance for Inborn genetic diseases. Last evaluated: 2025-05-06. Review status: criteria provided, single submitter. Criteria: Ambry Variant Classification Scheme 2023. Collection method: clinical testing. Allele origin: germline.

Labcorp Genetics (formerly Invitae), Labcorp
Classification: Uncertain significance. Last evaluated: 2022-03-04. Review status: criteria provided, single submitter. Criteria: Invitae Variant Classification Sherloc (09022015). Collection method: clinical testing. Allele origin: germline.
Comment: This sequence change replaces glutamic acid, which is acidic and polar, with aspartic acid, which is acidic and polar, at codon 596 of the TSPEAR protein (p.Glu596Asp). This variant is present in population databases (rs782067897, gnomAD 0.003%). This variant has not been reported in the literature in individuals affected with TSPEAR-related conditions. Algorithms developed to predict the effect of missense changes on protein structure and function (SIFT, PolyPhen-2, Align-GVGD) all suggest that this variant is likely to be tolerated. In summary, the available evidence is currently insufficient to determine the role of this variant in disease. Therefore, it has been classified as a Variant of Uncertain Significance.

NM_144991.3(TSPEAR):c.1788A>T (p.Glu596Asp)

Gene: TSPEAR (thrombospondin type laminin G domain and EAR repeats; minus strand). Cytogenetic location: 21q22.3.
Variant type: single nucleotide variant.
Coding change: c.1788A>T on transcript NM_144991.3 (MANE Select); coding-DNA position 1788, A replaced by T.
Protein change: p.Glu596Asp; replaces glutamic acid 596 with aspartic acid.
Molecular consequence: missense variant.
Genome position (GRCh38, 1-based): chr21:44,504,848, T>A on the plus strand (A>T on the coding strand, the complement: TSPEAR is on the minus strand). VCF-style: chr21-44504848-T-A. GRCh37 (hg19) VCF-style: chr21-45924731-T-A.
Other names: c.1584A>T, p.Glu528Asp (NM_001272037.2); c.1788A>T (NM_144991.2); short protein forms E596D, E528D.
Identifiers: ClinVar variation 2167467 (VCV002167467.6), dbSNP rs782067897, ClinGen allele CA10056326.